The following is an entry in ClinVar:

NM_000443.4(ABCB4):c.2T>C (p.Met1Thr)

Genes: ABCB4 (ATP binding cassette subfamily B member 4; minus strand), LOC129998756 (ATAC-STARR-seq lymphoblastoid silent region 18347; plus strand). Cytogenetic location: 7q21.12.
Variant type: single nucleotide variant.
Coding change: c.2T>C on transcript NM_000443.4 (MANE Select); coding-DNA position 2, T replaced by C.
Protein change: p.Met1Thr; changes the start codon (methionine 1).
Molecular consequence: missense variant, initiator codon variant.
Genome position (GRCh38, 1-based): chr7:87,475,464, A>G on the plus strand (T>C on the coding strand, the complement: ABCB4 is on the minus strand). VCF-style: chr7-87475464-A-G. GRCh37 (hg19) VCF-style: chr7-87104780-A-G.
Other names: c.2T>C, p.Met1Thr (NM_018849.3, NM_018850.3); short protein forms M1T.
Identifiers: ClinVar variation 4846554 (VCV004846554.1).

ClinVar aggregate classification (germline): Pathogenic (1 of 4 stars; one submission).

Conditions:
Familial intrahepatic cholestasis. Identifiers: Orphanet 284385, MedGen CN296401, MONDO:0017290.

Submission:

Genomenon, Inc
Classification: Pathogenic for Familial intrahepatic cholestasis. Last evaluated: 2026-04-14. Review status: criteria provided, single submitter. Criteria: Genomenon Sequence Variant Interpretation Standards - Updated. Collection method: curation. Allele origin: germline. Affected: yes.
Comment: ABCB4 p.Met1? (c.2T>C) is a variant that disrupts the initiation codon leading to an altered or absent protein product. This variant has been observed in at least one proband with an ABCB4-related disorder (PMID:37701337). It is absent or not present at a significant frequency in gnomAD. In conclusion, we classify ABCB4 p.Met1? (c.2T>C) as a pathogenic variant.

Literature cited by the submitters: PubMed 37701337.